The following is an entry in ClinVar:

ClinVar aggregate classification (germline): Uncertain significance (1 of 4 stars; one submission).

Conditions:
Inborn genetic diseases. Identifiers: MedGen C0950123, MeSH D030342.

Submission:

Ambry Genetics
Classification: Uncertain significance for Inborn genetic diseases. Last evaluated: 2025-12-16. Review status: criteria provided, single submitter. Criteria: Ambry Variant Classification Scheme 2023. Collection method: clinical testing. Allele origin: germline.
Comment: The p.Q862H variant (also known as c.2586G>C), located in coding exon 23 of the ANKRD26 gene, results from a G to C substitution at nucleotide position 2586. The glutamine at codon 862 is replaced by histidine, an amino acid with highly similar properties. This amino acid position is conserved. In addition, this alteration is predicted to be tolerated by in silico analysis. Based on the available evidence, the clinical significance of this variant remains unclear.

NM_014915.3(ANKRD26):c.2586G>C (p.Gln862His)

Gene: ANKRD26 (ankyrin repeat domain 26; minus strand). Cytogenetic location: 10p12.1.
Variant type: single nucleotide variant.
Coding change: c.2586G>C on transcript NM_014915.3 (MANE Select); coding-DNA position 2586, G replaced by C.
Protein change: p.Gln862His; replaces glutamine 862 with histidine.
Molecular consequence: missense variant.
Genome position (GRCh38, 1-based): chr10:27,037,297, C>G on the plus strand (G>C on the coding strand, the complement: ANKRD26 is on the minus strand). VCF-style: chr10-27037297-C-G. GRCh37 (hg19) VCF-style: chr10-27326226-C-G.
Other names: c.2583G>C, p.Gln861His (NM_001256053.2); short protein forms Q862H, Q861H.
Identifiers: ClinVar variation 4842331 (VCV004842331.1).
Genomic context (GRCh38, chr10:27,037,297, plus strand): 5'-GTGATTGGTCAGAATTCCATCTTGTAACATTCTGGCATTCTGTTCTCGAGAAAGTTGCCT[C>G]TGAGCGTCATTTCGCTCTTGAACGACCTAGAGATACATTAAGTTTTAGGTCTATTAGCAT-3'
Protein context (NP_055730.2, residues 852-872): NQVVQERNDA[Gln862His]RQLSREQNAR